The following is an entry in ClinVar:

ClinVar aggregate classification (germline): Uncertain significance (1 of 4 stars; one submission).

Conditions:
Hereditary pancreatitis (PCTT). Also called: Hereditary chronic pancreatitis; PRSS1-Related Hereditary Pancreatitis. Identifiers: Orphanet 676, MedGen C0238339, MONDO:0008185, OMIM 167800.

Allele frequency attached by ClinVar (database versions not stated): gnomAD exomes below 0.00001.
gnomAD v4.1: 1 of 1,614,146 alleles (0.000062%); highest among the groups gnomAD compares: Non-Finnish European, 0.000085%; no homozygotes.

Submission:

Ambry Genetics
Classification: Uncertain significance for Hereditary pancreatitis. Last evaluated: 2024-05-25. Review status: criteria provided, single submitter. Criteria: Ambry Variant Classification Scheme 2023. Collection method: clinical testing. Allele origin: germline.
Comment: The p.D98V variant (also known as c.293A>T), located in coding exon 3 of the CPA1 gene, results from an A to T substitution at nucleotide position 293. The aspartic acid at codon 98 is replaced by valine, an amino acid with highly dissimilar properties. This amino acid position is conserved. In addition, this alteration is predicted to be tolerated by in silico analysis. Since supporting evidence is limited at this time, the clinical significance of this alteration remains unclear.

NM_001868.4(CPA1):c.293A>T (p.Asp98Val)

Gene: CPA1 (carboxypeptidase A1; plus strand). Cytogenetic location: 7q32.2.
Variant type: single nucleotide variant.
Coding change: c.293A>T on transcript NM_001868.4 (MANE Select); coding-DNA position 293, A replaced by T.
Protein change: p.Asp98Val; replaces aspartic acid 98 with valine.
Molecular consequence: missense variant.
Genome position (GRCh38, 1-based): chr7:130,381,775, A>T. VCF-style: chr7-130381775-A-T. GRCh37 (hg19) VCF-style: chr7-130021616-A-T.
Other names: short protein forms D98V.
Identifiers: ClinVar variation 1797895 (VCV001797895.3), dbSNP rs2536005316, ClinGen allele CA369280175.